The following is an entry in ClinVar:

NM_016333.4(SRRM2):c.3593C>T (p.Ser1198Phe)

Gene: SRRM2 (serine/arginine repetitive matrix 2; plus strand). Cytogenetic location: 16p13.3.
Variant type: single nucleotide variant.
Coding change: c.3593C>T on transcript NM_016333.4 (MANE Select); coding-DNA position 3593, C replaced by T.
Protein change: p.Ser1198Phe; replaces serine 1198 with phenylalanine.
Molecular consequence: missense variant.
Genome position (GRCh38, 1-based): chr16:2,764,121, C>T. VCF-style: chr16-2764121-C-T. GRCh37 (hg19) VCF-style: chr16-2814122-C-T.
Other names: short protein forms S1198F.
Identifiers: ClinVar variation 2504449 (VCV002504449.1), dbSNP rs2068457625, ClinGen allele CA394414887.
Genomic context (GRCh38, chr16:2,764,121, plus strand): 5'-CATCACCTCCTAGACAGAAAGACAAATTTAGTCCCTTTCCAGTACAGGATAGGCCTGAGT[C>T]TTCACTGGTATTCAAAGACACACTTAGAACCCCGCCAAGGGAAAGAAGTGGTGCTGGGTC-3'
Protein context (NP_057417.3, residues 1188-1208): SPFPVQDRPE[Ser1198Phe]SLVFKDTLRT

ClinVar aggregate classification (germline): Uncertain significance (1 of 4 stars; one submission).

Allele frequency attached by ClinVar (database versions not stated): gnomAD exomes below 0.00001.
gnomAD v4.1: 2 of 1,614,146 alleles (0.00012%); highest among the groups gnomAD compares: Non-Finnish European, 0.000085%; no homozygotes.

Submission:

GeneDx
Classification: Uncertain significance. Last evaluated: 2022-11-30. Review status: criteria provided, single submitter. Criteria: GeneDx Variant Classification Process June 2021. Collection method: clinical testing. Allele origin: germline. Affected: yes.
Comment: Not observed at significant frequency in large population cohorts (gnomAD); In silico analysis supports that this missense variant does not alter protein structure/function; Has not been previously published as pathogenic or benign to our knowledge.